The following is an entry in ClinVar:

NM_000245.4(MET):c.2828C>T (p.Thr943Ile)

Gene: MET (MET proto-oncogene, receptor tyrosine kinase; plus strand). Cytogenetic location: 7q31.2.
Variant type: single nucleotide variant.
Coding change: c.2828C>T on transcript NM_000245.4 (MANE Select); coding-DNA position 2828, C replaced by T.
Protein change: p.Thr943Ile; replaces threonine 943 with isoleucine.
Molecular consequence: missense variant.
Genome position (GRCh38, 1-based): chr7:116,771,595, C>T. VCF-style: chr7-116771595-C-T. GRCh37 (hg19) VCF-style: chr7-116411649-C-T.
Other names: c.2882C>T, p.Thr961Ile (NM_001127500.3); c.1538C>T, p.Thr513Ile (NM_001324402.2); short protein forms T513I, T943I, T961I.
Identifiers: ClinVar variation 1341329 (VCV001341329.8), dbSNP rs2116992551, ClinGen allele CA368986605.
Genomic context (GRCh38, chr7:116,771,595, plus strand): 5'-TAATAGTTCAACCAGATCAGAATTTCACAGGATTGATTGCTGGTGTTGTCTCAATATCAA[C>T]AGCACTGTTATTACTACTTGGGTTTTTCCTGTGGCTGAAAAAGAGAAAGCAAATTAAAGG-3'
Protein context (NP_000236.2, residues 933-953): GLIAGVVSIS[Thr943Ile]ALLLLLGFFL

ClinVar aggregate classification (germline): Conflicting classifications of pathogenicity. Review status: criteria provided, conflicting classifications (1 of 4 stars). 3 submissions from 3 submitters: Uncertain significance (2); Likely benign (1). Last evaluated 2026-01-16.

Conditions:
Hereditary cancer-predisposing syndrome. Also called: Neoplastic Syndromes, Hereditary; Tumor predisposition; Hereditary Cancer Syndrome; Hereditary neoplastic syndrome. Identifiers: Orphanet 140162, MedGen C0027672, MeSH D009386, MONDO:0015356.
Renal cell carcinoma. Identifiers: Orphanet 217071, MedGen C0007134, MeSH D002292, MONDO:0005086, HP:0005584.
Papillary renal cell carcinoma type 1 (RCCP1). Also called: RENAL CELL CARCINOMA, PAPILLARY, 1, SOMATIC; Renal adenocarcinoma; Renal cell carcinoma 1; Renal cell carcinoma, somatic. Identifiers: Orphanet 47044, MedGen C1336839, OMIM 605074, HP:0011797.

gnomAD v4.1: 1 of 1,613,894 alleles (0.000062%); no homozygotes.

Submissions (3):

Labcorp Genetics (formerly Invitae), Labcorp
Classification: Uncertain significance for Renal cell carcinoma. Last evaluated: 2026-01-16. Review status: criteria provided, single submitter. Criteria: Invitae Variant Classification Sherloc (09022015). Collection method: clinical testing. Allele origin: germline.
Comment: This sequence change replaces threonine, which is neutral and polar, with isoleucine, which is neutral and non-polar, at codon 961 of the MET protein (p.Thr961Ile). This variant is not present in population databases (gnomAD no frequency). This variant has not been reported in the literature in individuals affected with MET-related conditions. ClinVar contains an entry for this variant (Variation ID: 1341329). Invitae Evidence Modeling of protein sequence and biophysical properties (such as structural, functional, and spatial information, amino acid conservation, physicochemical variation, residue mobility, and thermodynamic stability) indicates that this missense variant is not expected to disrupt MET protein function with a negative predictive value of 80%. In summary, the available evidence is currently insufficient to determine the role of this variant in disease. Therefore, it has been classified as a Variant of Uncertain Significance.

Baylor Genetics
Classification: Uncertain significance for Papillary renal cell carcinoma type 1. Last evaluated: 2022-01-05. Review status: criteria provided, single submitter. Criteria: ACMG Guidelines, 2015. Collection method: clinical testing. Allele origin: unknown. Affected: yes. Study: CSER-TexasKidsCanSeq.
Comment: This variant was determined to be of uncertain significance according to ACMG Guidelines, 2015 [PMID:25741868].

Ambry Genetics
Classification: Likely benign for Hereditary cancer-predisposing syndrome. Last evaluated: 2021-05-21. Review status: criteria provided, single submitter. Criteria: Ambry Variant Classification Scheme 2023. Collection method: clinical testing. Allele origin: germline.